The following is an entry in ClinVar:

ClinVar aggregate classification (germline): Likely benign. Review status: criteria provided, multiple submitters, no conflicts (2 of 4 stars). 5 submissions from 5 submitters: Likely benign (5). Last evaluated 2024-10-21.

Conditions:
Familial thoracic aortic aneurysm and aortic dissection (TAAD). Also called: Thoracic aortic aneurysms and dissections. Identifiers: Orphanet 91387, MedGen C4707243, MONDO:0019625.
Marfan syndrome (MFS). Also called: Marfan syndrome type 1; Marfan's syndrome; FBN1-Related Marfan Syndrome; MARFAN SYNDROME, TYPE I; Marfan syndrome, classic. Identifiers: Orphanet 284963, Orphanet 558, MedGen C0024796, MONDO:0007947, OMIM 154700.

Allele frequency attached by ClinVar (database versions not stated): gnomAD exomes 0.00001; TOPMed 0.00001; ExAC 0.00002; gnomAD 0.00002.
gnomAD v4.1: 8 of 1,613,466 alleles (0.0005%); highest among the groups gnomAD compares: Admixed American, 0.0017%; no homozygotes.

Submissions (5):

Blueprint Genetics
Classification: Likely benign. Last evaluated: 2024-10-21. Review status: criteria provided, single submitter. Criteria: ACMG Guidelines, 2015. Collection method: clinical testing. Allele origin: germline.

Labcorp Genetics (formerly Invitae), Labcorp
Classification: Likely benign for Marfan syndrome; Familial thoracic aortic aneurysm and aortic dissection. Last evaluated: 2024-06-12. Review status: criteria provided, single submitter. Criteria: Invitae Variant Classification Sherloc (09022015). Collection method: clinical testing. Allele origin: germline.

All of Us Research Program, National Institutes of Health
Classification: Likely benign for Marfan syndrome. Last evaluated: 2023-12-01. Review status: criteria provided, single submitter. Criteria: ACMG Guidelines, 2015. Collection method: clinical testing. Allele origin: germline. Inheritance: Autosomal dominant inheritance. Observed: 2 variant alleles, 2 heterozygotes.
Comment: This study involves interpretation of variants in research participants for the purpose of population health screening. Participant phenotype was not available at the time of variant classification. Additional details can be found in publication PMID: 35346344, PMCID: PMC8962531

CeGaT Center for Human Genetics Tuebingen
Classification: Likely benign. Last evaluated: 2023-04-01. Review status: criteria provided, single submitter. Criteria: CeGaT Center For Human Genetics Tuebingen Variant Classification Criteria Version 2. Collection method: clinical testing. Allele origin: germline. Affected: yes. Observed: 1 variant allele.
Comment: FBN1: BP4

Color Diagnostics, LLC DBA Color Health
Classification: Likely benign for Familial thoracic aortic aneurysm and aortic dissection. Last evaluated: 2019-10-07. Review status: criteria provided, single submitter. Criteria: ACMG Guidelines, 2015. Collection method: clinical testing. Allele origin: germline.

NM_000138.5(FBN1):c.7575C>T (p.Asn2525=)

Gene: FBN1 (fibrillin 1; minus strand). Cytogenetic location: 15q21.1.
Variant type: single nucleotide variant.
Coding change: c.7575C>T on transcript NM_000138.5 (MANE Select); coding-DNA position 7575, C replaced by T.
Protein change: p.Asn2525=; no amino-acid change (asparagine 2525 retained).
Molecular consequence: synonymous variant.
Genome position (GRCh38, 1-based): chr15:48,421,682, G>A on the plus strand (C>T on the coding strand, the complement: FBN1 is on the minus strand). VCF-style: chr15-48421682-G-A. GRCh37 (hg19) VCF-style: chr15-48713879-G-A.
Identifiers: ClinVar variation 918883 (VCV000918883.34), dbSNP rs759021474, ClinGen allele CA058915.